The following is an entry in ClinVar:

ClinVar aggregate classification (germline): Uncertain significance. Review status: criteria provided, multiple submitters, no conflicts (2 of 4 stars). 2 submissions from 2 submitters: Uncertain significance (2). Last evaluated 2023-10-25.

Allele frequency attached by ClinVar (database versions not stated): gnomAD 0.00001; gnomAD exomes 0.00001; TOPMed 0.00001; ExAC 0.00006.
gnomAD v4.1: 23 of 1,613,950 alleles (0.0014%); highest among the groups gnomAD compares: East Asian, 0.038%; no homozygotes.

Submissions (2):

Labcorp Genetics (formerly Invitae), Labcorp
Classification: Uncertain significance. Last evaluated: 2023-10-25. Review status: criteria provided, single submitter. Criteria: Invitae Variant Classification Sherloc (09022015). Collection method: clinical testing. Allele origin: germline.
Comment: This sequence change replaces arginine, which is basic and polar, with histidine, which is basic and polar, at codon 146 of the KLHDC8B protein (p.Arg146His). This variant is present in population databases (rs746893535, gnomAD 0.09%), and has an allele count higher than expected for a pathogenic variant. This variant has not been reported in the literature in individuals affected with KLHDC8B-related conditions. An algorithm developed to predict the effect of missense changes on protein structure and function (PolyPhen-2) suggests that this variant is likely to be disruptive. In summary, the available evidence is currently insufficient to determine the role of this variant in disease. Therefore, it has been classified as a Variant of Uncertain Significance.

Ambry Genetics
Classification: Uncertain significance. Last evaluated: 2023-07-11. Review status: criteria provided, single submitter. Criteria: Ambry Variant Classification Scheme 2023. Collection method: clinical testing. Allele origin: germline.

NM_173546.3(KLHDC8B):c.437G>A (p.Arg146His)

Gene: KLHDC8B (kelch domain containing 8B; plus strand). Cytogenetic location: 3p21.31.
Variant type: single nucleotide variant.
Coding change: c.437G>A on transcript NM_173546.3 (MANE Select); coding-DNA position 437, G replaced by A.
Protein change: p.Arg146His; replaces arginine 146 with histidine.
Molecular consequence: missense variant.
Genome position (GRCh38, 1-based): chr3:49,174,299, G>A. VCF-style: chr3-49174299-G-A. GRCh37 (hg19) VCF-style: chr3-49211732-G-A.
Other names: short protein forms R146H.
Identifiers: ClinVar variation 2602048 (VCV002602048.5), dbSNP rs746893535, ClinGen allele CA2395493.